The following is an entry in ClinVar:

ClinVar aggregate classification (germline): Likely pathogenic. Review status: reviewed by expert panel (3 of 4 stars). 7 submissions from 7 submitters: Likely pathogenic (1). 6 of the submissions do not count toward it. Last evaluated 2024-09-06.

Conditions:
Phenylketonuria (PKU). Also called: Phenylketonuria (PKU); FOLLING DISEASE; OLIGOPHRENIA PHENYLPYRUVICA; Phenylketonurias. Identifiers: Orphanet 716, MedGen C0031485, MONDO:0009861, OMIM 261600. Disease mechanism: loss of function.

Allele frequency attached by ClinVar (database versions not stated): ExAC 0.00002; gnomAD 0.00002; gnomAD exomes 0.00002; TOPMed below 0.00001.
gnomAD v4.1: 13 of 1,613,928 alleles (0.00081%); no homozygotes.

Submissions (7):

ClinGen PAH Variant Curation Expert Panel
Classification: Likely pathogenic for Phenylketonuria. Last evaluated: 2024-09-06. Review status: reviewed by expert panel. Criteria: ClinGen PAH ACMG Specifications v1. Collection method: curation. Allele origin: germline. Inheritance: Autosomal recessive inheritance.
Comment: The c.283A>T (p.Ile95Phe) variant in PAH has been reported in multiple patients with mild and moderate phenylketonuria. It was detected with pathogenic variants: p.R408W (PMID: 10495930); p.R158Q, p.A403V, p.T323del (PMID: 18299955); and p.E280K (PMID: 31623983). This variant has a MAF of 0.00060 in gnomAD in the Ashkenazi Jewish population, which is above our cutoff for PM2 (<0.0002) and below our cutoff for BS1 (>0.002). Computational evidence support a deleterious effect (REVEL=0.658). In summary, this variant meets criteria to be classified as likely pathogenic for PAH. PAH-specific ACMG/AMP criteria applied: PM3_strong, PP3, PP4.

Labcorp Genetics (formerly Invitae), Labcorp
Classification: Pathogenic for Phenylketonuria. Last evaluated: 2025-12-24. Review status: criteria provided, single submitter. Criteria: Invitae Variant Classification Sherloc (09022015). Collection method: clinical testing. Allele origin: germline. Not counted in ClinVar's aggregate classification.
Comment: This sequence change replaces isoleucine, which is neutral and non-polar, with phenylalanine, which is neutral and non-polar, at codon 95 of the PAH protein (p.Ile95Phe). This variant is present in population databases (rs62508682, gnomAD 0.05%). This missense change has been observed in individual(s) with phenylketonuria (PMID: 10495930, 18299955, 32668217; BIOPKU). ClinVar contains an entry for this variant (Variation ID: 102645). Invitae Evidence Modeling of protein sequence and biophysical properties (such as structural, functional, and spatial information, amino acid conservation, physicochemical variation, residue mobility, and thermodynamic stability) indicates that this missense variant is not expected to disrupt PAH protein function with a negative predictive value of 80%. For these reasons, this variant has been classified as Pathogenic.

Natera, Inc.
Classification: Pathogenic for Phenylketonuria. Last evaluated: 2025-08-18. Review status: criteria provided, single submitter. Criteria: Natera Variant Classification Schema (03/2026). Collection method: clinical testing. Allele origin: germline. Not counted in ClinVar's aggregate classification.
Comment: The c.283A>T variant in PAH is a missense variant predicted to cause substitution of isoleucine to phenylalanine at amino acid 95. This variant is rare in the general population with a frequency below the threshold expected for the associated phenotype(s). This variant has been observed in one or more individuals affected with the associated recessive disease, as either homozygous or compound heterozygous with a second variant (PMID: 39033325, 32668217, 31623983, 10495930). Given the available evidence, this variant is classified as Pathogenic.

Women's Health and Genetics/Laboratory Corporation of America, LabCorp
Classification: Pathogenic for Phenylketonuria. Last evaluated: 2025-02-14. Review status: criteria provided, single submitter. Criteria: LabCorp Variant Classification Summary - May 2015. Collection method: clinical testing. Allele origin: germline. Not counted in ClinVar's aggregate classification.
Comment: Variant summary: PAH c.283A>T (p.Ile95Phe) results in a non-conservative amino acid change located in the ACT domain (IPR002912) of the encoded protein sequence. Three of five in-silico tools predict a damaging effect of the variant on protein function. The variant allele was found at a frequency of 2.4e-05 in 251440 control chromosomes (gnomAD). c.283A>T has been reported in the literature in multiple individuals affected with Phenylalanine Hydroxylase Deficiency (Phenylketonuria) (e.g. Bercovich_2008, Zekanowski_1999, Rajabi_2019). These data indicate that the variant is very likely to be associated with disease. The following publications have been ascertained in the context of this evaluation (PMID: 18299955, 10495930, 29144512, 31623983). ClinVar contains an entry for this variant (Variation ID: 102645). Based on the evidence outlined above, the variant was classified as pathogenic.

GeneDx
Classification: Likely pathogenic. Last evaluated: 2024-05-14. Review status: criteria provided, single submitter. Criteria: GeneDx Variant Classification Process June 2021. Collection method: clinical testing. Allele origin: germline. Affected: yes. Not counted in ClinVar's aggregate classification.
Comment: In silico analysis indicates that this missense variant does not alter protein structure/function; This variant is associated with the following publications: (PMID: 10495930, 29144512, 18299955, 11096279, 32668217, 18294361, 11678552, 31623983)

Fulgent Genetics
Classification: Likely pathogenic for Phenylketonuria. Last evaluated: 2021-09-21. Review status: criteria provided, single submitter. Criteria: ACMG Guidelines, 2015. Collection method: clinical testing. Allele origin: unknown. Not counted in ClinVar's aggregate classification.

DeBelle Laboratory for Biochemical Genetics, MUHC/MCH RESEARCH INSTITUTE
No classification provided. Review status: no classification provided. Collection method: not provided. Allele origin: not provided. Not counted in ClinVar's aggregate classification.

Literature cited by the submitters: PubMed 10495930 (cited by 3 submitters); PubMed 18299955 (cited by Labcorp Genetics (formerly Invitae), Labcorp and Women's Health and Genetics/Laboratory Corporation of America, LabCorp); PubMed 32668217 (cited by Labcorp Genetics (formerly Invitae), Labcorp and Natera, Inc.); PubMed 39033325 (cited by Natera, Inc.); PubMed 31623983 (cited by Natera, Inc. and Women's Health and Genetics/Laboratory Corporation of America, LabCorp); PubMed 29144512 (cited by Women's Health and Genetics/Laboratory Corporation of America, LabCorp).

NM_000277.3(PAH):c.283A>T (p.Ile95Phe)

Gene: PAH (phenylalanine hydroxylase; minus strand). Cytogenetic location: 12q23.2.
Variant type: single nucleotide variant.
Coding change: c.283A>T on transcript NM_000277.3 (MANE Select); coding-DNA position 283, A replaced by T.
Protein change: p.Ile95Phe; replaces isoleucine 95 with phenylalanine.
Molecular consequence: missense variant.
Genome position (GRCh38, 1-based): chr12:102,894,804, T>A on the plus strand (A>T on the coding strand, the complement: PAH is on the minus strand). VCF-style: chr12-102894804-T-A. GRCh37 (hg19) VCF-style: chr12-103288582-T-A.
Other names: NM_000277.3(PAH):c.283A>T; p.Ile95Phe; c.283A>T, p.Ile95Phe (NM_001354304.2); c.283A>T (NM_000277.2); short protein forms I95F.
Identifiers: ClinVar variation 102645 (VCV000102645.21), dbSNP rs62508682, ClinGen allele CA229507.